The following is an entry in ClinVar:

NM_001165963.4(SCN1A):c.265-2144A>G

Gene: SCN1A (sodium voltage-gated channel alpha subunit 1; minus strand). Cytogenetic location: 2q24.3.
Variant type: single nucleotide variant.
Coding change: c.265-2144A>G on transcript NM_001165963.4 (MANE Select); 2144 bases into the intron before coding-DNA position 265, A replaced by G.
Molecular consequence: intron variant.
Genome position (GRCh38, 1-based): chr2:166,060,832, T>C on the plus strand (A>G on the coding strand, the complement: SCN1A is on the minus strand). VCF-style: chr2-166060832-T-C. GRCh37 (hg19) VCF-style: chr2-166917342-T-C.
Other names: c.265-2144A>G (NM_001353949.2, NM_001353958.2, NM_001353950.2 and 10 more transcripts); c.-2161-2144A>G (NM_001353961.2).
Identifiers: ClinVar variation 3061090 (VCV003061090.2), dbSNP rs2468286959, ClinGen allele CA2661729246.

ClinVar aggregate classification (germline): Likely benign (0 of 4 stars; one submission).

Conditions:
SCN1A-related disorder. Also called: SCN1A-related conditions; SCN1A-related condition; SCN1A-related disorders.

Submission:

PreventionGenetics, part of Exact Sciences
Classification: Likely benign for SCN1A-related condition. Last evaluated: 2024-02-21. Review status: no assertion criteria provided. Collection method: clinical testing. Allele origin: germline.
Comment: This variant is classified as likely benign based on ACMG/AMP sequence variant interpretation guidelines (Richards et al. 2015 PMID: 25741868, with internal and published modifications).